The following is an entry in ClinVar:

ClinVar aggregate classification (germline): Pathogenic (1 of 4 stars; one submission).

Conditions:
CHARGE syndrome (CHARGE). Also called: Hittner Hirsch Kreh syndrome; CHARGE ASSOCIATION--COLOBOMA, HEART ANOMALY, CHOANAL ATRESIA, RETARDATION, GENITAL AND EAR ANOMALIES; Coloboma, heart anomaly, choanal atresia, retardation, genital and ear anomalies; CHARGE association; Hall-Hittner syndrome. Identifiers: Orphanet 138, MedGen C0265354, MONDO:0008965.

Submission:

Victorian Clinical Genetics Services, Murdoch Childrens Research Institute
Classification: Pathogenic for CHD7-related CHARGE syndrome. Last evaluated: 2022-02-02. Review status: criteria provided, single submitter. Criteria: ACMG Guidelines, 2015. Collection method: clinical testing. Allele origin: germline. Inheritance: Autosomal dominant inheritance. Affected: yes.
Comment: Based on the classification scheme VCGS_Germline_v1.3.4, this variant is classified as Pathogenic. Following criteria are met: 0102 - Loss of function is a known mechanism of disease in this gene and is associated with CHARGE syndrome (MIM#214800) and hypogonadotropic hypogonadism 5 with or without anosmia (MIM#612370). (I) 0107 - This gene is associated with autosomal dominant disease. (I) 0201 - Variant is predicted to cause nonsense-mediated decay (NMD) and loss of protein (premature termination codon is located at least 54 nucleotides upstream of the final exon-exon junction). (SP) 0251 - This variant is heterozygous. (I) 0301 - Variant is absent from gnomAD (both v2 and v3). (SP) 0701 - Other NMD predicted variants comparable to the one identified in this case have very strong previous evidence for pathogenicity (ClinVar). (SP) 0807 - This variant has no previous evidence of pathogenicity. (I) 0905 - No published segregation evidence has been identified for this variant. (I) 1007 - No published functional evidence has been identified for this variant. (I) 1208 - Inheritance information for this variant is not currently available in this individual. (I) Legend: (SP) - Supporting pathogenic, (I) - Information, (SB) - Supporting benign

NM_017780.4(CHD7):c.6883_6884insA (p.Ser2295fs)

Gene: CHD7 (chromodomain helicase DNA binding protein 7; plus strand). Cytogenetic location: 8q12.2.
Variant type: Insertion.
Coding change: c.6883_6884insA on transcript NM_017780.4 (MANE Select); coding-DNA positions 6883 to 6884, A inserted.
Protein change: p.Ser2295fs; shifts the reading frame from serine 2295.
Molecular consequence: frameshift variant. On other transcripts: intron variant (1).
Genome position: GRCh38 VCF-style: chr8-60854470-T-TA. GRCh37 (hg19) VCF-style: chr8-61767029-T-TA.
Other names: c.1717-7759_1717-7758insA (NM_001316690.1); short protein forms S2295fs.
Identifiers: ClinVar variation 3254613 (VCV003254613.1), dbSNP rs2488057471.